The following is an entry in ClinVar:

NM_000088.4(COL1A1):c.-43C>T

Gene: COL1A1 (collagen type I alpha 1 chain; minus strand). Cytogenetic location: 17q21.33.
Variant type: single nucleotide variant.
Coding change: c.-43C>T on transcript NM_000088.4 (MANE Select); 43 bases upstream of the start codon, C replaced by T.
Molecular consequence: 5 prime UTR variant.
Genome position (GRCh38, 1-based): chr17:50,201,556, G>A on the plus strand (C>T on the coding strand, the complement: COL1A1 is on the minus strand). VCF-style: chr17-50201556-G-A. GRCh37 (hg19) VCF-style: chr17-48278917-G-A.
Identifiers: ClinVar variation 390135 (VCV000390135.1), dbSNP rs368832341, ClinGen allele CA8645902.

ClinVar aggregate classification (germline): Likely benign (1 of 4 stars; one submission).

Allele frequency attached by ClinVar (database versions not stated): gnomAD 0.00001 and 0.00002; TOPMed 0.00001; gnomAD exomes 0.00002 and 0.00003; ExAC 0.00003; ESP Exome Variant Server 0.00008; 1000 Genomes Project 30x 0.00031; 1000 Genomes Project 0.00040.
gnomAD v4.1: 50 of 1,559,986 alleles (0.0032%); highest among the groups gnomAD compares: Non-Finnish European, 0.0043%; no homozygotes.

Submission:

GeneDx
Classification: Likely benign. Last evaluated: 2016-11-04. Review status: criteria provided, single submitter. Criteria: GeneDx Variant Classification (06012015). Collection method: clinical testing. Allele origin: germline. Affected: yes.
Comment: This variant is considered likely benign or benign based on one or more of the following criteria: it is a conservative change, it occurs at a poorly conserved position in the protein, it is predicted to be benign by multiple in silico algorithms, and/or has population frequency not consistent with disease.